The following is an entry in ClinVar:

ClinVar aggregate classification (germline): Likely pathogenic. Review status: criteria provided, multiple submitters, no conflicts (2 of 4 stars). 2 submissions from 2 submitters: Likely pathogenic (2). Last evaluated 2024-01-18.

Conditions:
COL2A1-related disorder. Also called: COL2A1-related condition; COL2A1-related disorders.

Submissions (2):

Labcorp Genetics (formerly Invitae), Labcorp
Classification: Likely pathogenic. Last evaluated: 2024-01-18. Review status: criteria provided, single submitter. Criteria: Invitae Variant Classification Sherloc (09022015). Collection method: clinical testing. Allele origin: germline.
Comment: This sequence change replaces glycine, which is neutral and non-polar, with valine, which is neutral and non-polar, at codon 714 of the COL2A1 protein (p.Gly714Val). This variant is not present in population databases (gnomAD no frequency). This missense change has been observed in individual(s) with clinical features of COL2A1-related disorders (PMID: 32141364). ClinVar contains an entry for this variant (Variation ID: 861872). Advanced modeling of protein sequence and biophysical properties (such as structural, functional, and spatial information, amino acid conservation, physicochemical variation, residue mobility, and thermodynamic stability) performed at Invitae indicates that this missense variant is expected to disrupt COL2A1 protein function with a positive predictive value of 95%. This variant disrupts the triple helix domain of COL2A1. Glycine residues within the Gly-Xaa-Yaa repeats of the triple helix domain are required for the structure and stability of fibrillar collagens (PMID: 7695699, 8218237, 19344236). In COL2A1, variants affecting these glycine residues are significantly enriched in individuals with disease (PMID: 9016532, 17078022) compared to the general population (ExAC). In summary, the currently available evidence indicates that the variant is pathogenic, but additional data are needed to prove that conclusively. Therefore, this variant has been classified as Likely Pathogenic.

Blueprint Genetics
Classification: Likely pathogenic for COL2A1-related disorders. Last evaluated: 2023-08-09. Review status: criteria provided, single submitter. Criteria: ACMG Guidelines, 2015. Collection method: clinical testing. Allele origin: germline. Affected: yes. Observed: 1 variant allele.

Literature cited by the submitters: PubMed 32141364 (cited by Labcorp Genetics (formerly Invitae), Labcorp); PubMed 7695699 (cited by Labcorp Genetics (formerly Invitae), Labcorp); PubMed 8218237 (cited by Labcorp Genetics (formerly Invitae), Labcorp); PubMed 19344236 (cited by Labcorp Genetics (formerly Invitae), Labcorp); PubMed 9016532 (cited by Labcorp Genetics (formerly Invitae), Labcorp); PubMed 17078022 (cited by Labcorp Genetics (formerly Invitae), Labcorp).

NM_001844.5(COL2A1):c.2141G>T (p.Gly714Val)

Gene: COL2A1 (collagen type II alpha 1 chain; minus strand). Cytogenetic location: 12q13.11.
Variant type: single nucleotide variant.
Coding change: c.2141G>T on transcript NM_001844.5 (MANE Select); coding-DNA position 2141, G replaced by T.
Protein change: p.Gly714Val; replaces glycine 714 with valine.
Molecular consequence: missense variant.
Genome position (GRCh38, 1-based): chr12:47,982,900, C>A on the plus strand (G>T on the coding strand, the complement: COL2A1 is on the minus strand). VCF-style: chr12-47982900-C-A. GRCh37 (hg19) VCF-style: chr12-48376683-C-A.
Other names: c.1934G>T, p.Gly645Val (NM_033150.3); short protein forms G645V, G714V.
Identifiers: ClinVar variation 861872 (VCV000861872.10), dbSNP rs1555166537, ClinGen allele CA384547033.